The following is an entry in ClinVar:

ClinVar aggregate classification (germline): Uncertain significance (1 of 4 stars; one submission).

Submission:

Labcorp Genetics (formerly Invitae), Labcorp
Classification: Uncertain significance. Last evaluated: 2022-07-16. Review status: criteria provided, single submitter. Criteria: Invitae Variant Classification Sherloc (09022015). Collection method: clinical testing. Allele origin: germline.
Comment: Advanced modeling of protein sequence and biophysical properties (such as structural, functional, and spatial information, amino acid conservation, physicochemical variation, residue mobility, and thermodynamic stability) performed at Invitae indicates that this missense variant is expected to disrupt GRM6 protein function. In summary, the available evidence is currently insufficient to determine the role of this variant in disease. Therefore, it has been classified as a Variant of Uncertain Significance. This variant has not been reported in the literature in individuals affected with GRM6-related conditions. This variant is not present in population databases (gnomAD no frequency). This sequence change replaces alanine, which is neutral and non-polar, with aspartic acid, which is acidic and polar, at codon 175 of the GRM6 protein (p.Ala175Asp).

NM_000843.4(GRM6):c.524C>A (p.Ala175Asp)

Gene: GRM6 (glutamate metabotropic receptor 6; minus strand). Cytogenetic location: 5q35.3.
Variant type: single nucleotide variant.
Coding change: c.524C>A on transcript NM_000843.4 (MANE Select); coding-DNA position 524, C replaced by A.
Protein change: p.Ala175Asp; replaces alanine 175 with aspartic acid.
Molecular consequence: missense variant.
Genome position (GRCh38, 1-based): chr5:178,992,064, G>T on the plus strand (C>A on the coding strand, the complement: GRM6 is on the minus strand). VCF-style: chr5-178992064-G-T. GRCh37 (hg19) VCF-style: chr5-178419065-G-T.
Other names: short protein forms A175D.
Identifiers: ClinVar variation 1716152 (VCV001716152.5), dbSNP rs2480401340, ClinGen allele CA362434601.